The following is an entry in ClinVar:

ClinVar aggregate classification (germline): Uncertain significance (1 of 4 stars; one submission).

Allele frequency attached by ClinVar (database versions not stated): gnomAD exomes 0.00001; ExAC 0.00003.
gnomAD v4.1: 6 of 1,613,938 alleles (0.00037%); highest among the groups gnomAD compares: Non-Finnish European, 0.00051%; no homozygotes.

Submission:

Labcorp Genetics (formerly Invitae), Labcorp
Classification: Uncertain significance. Last evaluated: 2021-12-22. Review status: criteria provided, single submitter. Criteria: Invitae Variant Classification Sherloc (09022015). Collection method: clinical testing. Allele origin: germline.
Comment: In summary, the available evidence is currently insufficient to determine the role of this variant in disease. Therefore, it has been classified as a Variant of Uncertain Significance. Algorithms developed to predict the effect of missense changes on protein structure and function are either unavailable or do not agree on the potential impact of this missense change (SIFT: "Not Available"; PolyPhen-2: "Probably Damaging"; Align-GVGD: "Not Available"). This variant has not been reported in the literature in individuals affected with TRAPPC9-related conditions. This variant is present in population databases (rs774751225, gnomAD 0.004%). This sequence change replaces histidine, which is basic and polar, with proline, which is neutral and non-polar, at codon 355 of the TRAPPC9 protein (p.His355Pro).

NM_001160372.4(TRAPPC9):c.770A>C (p.His257Pro)

Gene: TRAPPC9 (trafficking protein particle complex subunit 9; minus strand). Cytogenetic location: 8q24.3.
Variant type: single nucleotide variant.
Coding change: c.770A>C on transcript NM_001160372.4 (MANE Select); coding-DNA position 770, A replaced by C.
Protein change: p.His257Pro; replaces histidine 257 with proline.
Molecular consequence: missense variant. On other transcripts: non-coding transcript variant (1).
Genome position (GRCh38, 1-based): chr8:140,435,201, T>G on the plus strand (A>C on the coding strand, the complement: TRAPPC9 is on the minus strand). VCF-style: chr8-140435201-T-G. GRCh37 (hg19) VCF-style: chr8-141445300-T-G.
Other names: c.770A>C, p.His257Pro (NM_001321646.2, NM_001374683.1, NM_001374684.1 and 1 more transcripts); c.791A>C, p.His264Pro (NM_001374682.1); short protein forms H257P, H264P.
Identifiers: ClinVar variation 2053200 (VCV002053200.4), dbSNP rs774751225, ClinGen allele CA4893639.